The following is an entry in ClinVar:

ClinVar aggregate classification (germline): Uncertain significance (1 of 4 stars; one submission).

Conditions:
Charcot-Marie-Tooth disease X-linked dominant 6. Also called: CHARCOT-MARIE-TOOTH NEUROPATHY, X-LINKED DOMINANT, 6. Identifiers: Orphanet 352675, MedGen C3806702, MONDO:0010479, OMIM 300905.

Submission:

Labcorp Genetics (formerly Invitae), Labcorp
Classification: Uncertain significance for Charcot-Marie-Tooth disease X-linked dominant 6. Last evaluated: 2023-06-27. Review status: criteria provided, single submitter. Criteria: Invitae Variant Classification Sherloc (09022015). Collection method: clinical testing. Allele origin: unknown.
Comment: In summary, the available evidence is currently insufficient to determine the role of this variant in disease. Therefore, it has been classified as a Variant of Uncertain Significance. Experimental studies and prediction algorithms are not available or were not evaluated, and the functional significance of this variant is currently unknown. This variant has not been reported in the literature in individuals affected with PDK3-related conditions. This variant is a gross deletion of the genomic region encompassing exon(s) 6 of the PDK3 gene. This variant would be expected to be in-frame, preserving the integrity of the reading frame.

NC_000023.10:g.(?_24537030)_(24537147_?)del

Gene: PDK3 (pyruvate dehydrogenase kinase 3; plus strand). Cytogenetic location: Xp22.11.
Variant type: Deletion.
Identifiers: ClinVar variation 3245580 (VCV003245580.1).